The following is an entry in ClinVar:

ClinVar aggregate classification (germline): Uncertain significance (1 of 4 stars; one submission).

Conditions:
Neurofibromatosis, type 2 (SWNV). Also called: BILATERAL ACOUSTIC NEUROFIBROMATOSIS; NF2-Related Schwannomatosis; SCHWANNOMATOSIS, VESTIBULAR. Identifiers: Orphanet 637, MedGen C0027832, MONDO:0007039, OMIM 101000. Disease mechanism: loss of function.

Allele frequency attached by ClinVar (database versions not stated): gnomAD exomes below 0.00001.
gnomAD v4.1: 1 of 1,612,760 alleles (0.000062%); highest among the groups gnomAD compares: Non-Finnish European, 0.000085%; no homozygotes.

Submission:

Labcorp Genetics (formerly Invitae), Labcorp
Classification: Uncertain significance for Neurofibromatosis, type 2. Last evaluated: 2021-05-17. Review status: criteria provided, single submitter. Criteria: Invitae Variant Classification Sherloc (09022015). Collection method: clinical testing. Allele origin: germline.
Comment: In summary, the available evidence is currently insufficient to determine the role of this variant in disease. Therefore, it has been classified as a Variant of Uncertain Significance. Algorithms developed to predict the effect of missense changes on protein structure and function (SIFT, PolyPhen-2, Align-GVGD) all suggest that this variant is likely to be tolerated, but these predictions have not been confirmed by published functional studies and their clinical significance is uncertain. This variant has not been reported in the literature in individuals with NF2-related conditions. This variant is not present in population databases (ExAC no frequency). This sequence change replaces lysine with arginine at codon 423 of the NF2 protein (p.Lys423Arg). The lysine residue is moderately conserved and there is a small physicochemical difference between lysine and arginine.

NM_000268.4(NF2):c.1268A>G (p.Lys423Arg)

Gene: NF2 (NF2, moesin-ezrin-radixin like (MERLIN) tumor suppressor; plus strand). Cytogenetic location: 22q12.2.
Variant type: single nucleotide variant.
Coding change: c.1268A>G on transcript NM_000268.4 (MANE Select); coding-DNA position 1268, A replaced by G.
Protein change: p.Lys423Arg; replaces lysine 423 with arginine.
Molecular consequence: missense variant. On other transcripts: non-coding transcript variant (1), intron variant (1).
Genome position (GRCh38, 1-based): chr22:29,673,414, A>G. VCF-style: chr22-29673414-A-G. GRCh37 (hg19) VCF-style: chr22-30069403-A-G.
Other names: c.1268A>G, p.Lys423Arg (NM_016418.5, NM_181825.3, NM_181832.3); c.1142A>G, p.Lys381Arg (NM_181828.3); c.1145A>G, p.Lys382Arg (NM_181829.3); c.1019A>G, p.Lys340Arg (NM_181830.3, NM_181831.3); c.448-21338A>G (NM_181833.3); short protein forms K381R, K340R, K382R, K423R.
Identifiers: ClinVar variation 1382153 (VCV001382153.8), dbSNP rs2147083382, ClinGen allele CA411148387.